The following is an entry in ClinVar:

ClinVar aggregate classification (germline): Conflicting classifications of pathogenicity. Review status: criteria provided, conflicting classifications (1 of 4 stars). 3 submissions from 3 submitters: Uncertain significance (1); Likely benign (2). Last evaluated 2024-12-16.

Conditions:
Hereditary cancer-predisposing syndrome. Also called: Hereditary Cancer Syndrome; Hereditary neoplastic syndrome; Neoplastic Syndromes, Hereditary; Tumor predisposition. Identifiers: Orphanet 140162, MedGen C0027672, MeSH D009386, MONDO:0015356.
Familial cancer of breast. Also called: hereditary breast carcinoma; BREAST CANCER, FAMILIAL; Hereditary breast cancer. Identifiers: Orphanet 227535, MedGen C0346153, MONDO:0016419, OMIM 114480. Disease mechanism: loss of function.
Breast-ovarian cancer, familial, susceptibility to, 2 (BROVCA2). Also called: BRCA2 Hereditary Breast and Ovarian Cancer. Identifiers: Orphanet 145, MedGen C2675520, MONDO:0012933, OMIM 612555. Disease mechanism: loss of function.

Submissions (3):

Department of Pathology and Laboratory Medicine, Sinai Health System
Classification: Likely benign for Familial cancer of breast; Breast-ovarian cancer, familial, susceptibility to, 2. Last evaluated: 2024-12-16. Review status: criteria provided, single submitter. Criteria: ACMG Guidelines, 2015. Collection method: clinical testing. Allele origin: germline. Affected: yes.

Color Diagnostics, LLC DBA Color Health
Classification: Uncertain significance for Hereditary cancer-predisposing syndrome. Last evaluated: 2023-12-05. Review status: criteria provided, single submitter. Criteria: ACMG Guidelines, 2015. Collection method: clinical testing. Allele origin: germline.
Comment: This missense variant replaces asparagine with histidine at codon 679 of the BRCA2 protein. Computational prediction tools and conservation analyses suggest that this variant may not impact the protein function. Computational splicing tools suggest that this variant may not impact RNA splicing. To our knowledge, functional assays have not been performed for this variant nor has this variant been reported in individuals affected with hereditary cancer in the literature. This variant has not been identified in the general population by the Genome Aggregation Database (gnomAD). Available evidence is insufficient to determine the role of this variant in disease conclusively. Therefore, this variant is classified as a Variant of Uncertain Significance.

University of Washington Department of Laboratory Medicine, University of Washington
Classification: Likely benign for Hereditary cancer-predisposing syndrome. Last evaluated: 2023-03-23. Review status: criteria provided, single submitter. Criteria: Dines et al. (Genet Med. 2020). Collection method: curation. Allele origin: germline.
Comment: Missense variant in a coldspot region where missense variants are very unlikely to be pathogenic (PMID:31911673).

BRCA2 exon 11 coldspot. Reclassification based on statistical prior probability.

NM_000059.4(BRCA2):c.2035A>C (p.Asn679His)

Gene: BRCA2 (BRCA2 DNA repair associated; plus strand). Cytogenetic location: 13q13.1.
Variant type: single nucleotide variant.
Coding change: c.2035A>C on transcript NM_000059.4 (MANE Select); coding-DNA position 2035, A replaced by C.
Protein change: p.Asn679His; replaces asparagine 679 with histidine.
Molecular consequence: missense variant.
Genome position (GRCh38, 1-based): chr13:32,336,390, A>C. VCF-style: chr13-32336390-A-C. GRCh37 (hg19) VCF-style: chr13-32910527-A-C.
Other names: short protein forms N679H.
Identifiers: ClinVar variation 921953 (VCV000921953.8), dbSNP rs786202617, ClinGen allele CA387768899.